The following is an entry in ClinVar:

ClinVar aggregate classification (germline): Uncertain significance. Review status: criteria provided, multiple submitters, no conflicts (2 of 4 stars). 3 submissions from 3 submitters: Uncertain significance (3). Last evaluated 2024-06-18.

Conditions:
Cardiovascular phenotype. Identifiers: MedGen CN230736.
Cardiomyopathy (CMYO). Also called: Cardiomyopathies. Identifiers: Orphanet 167848, MedGen C0878544, MONDO:0004994, HP:0001638. Inheritance: Various modes of inheritance.

Submissions (3):

GeneDx
Classification: Uncertain significance. Last evaluated: 2024-06-18. Review status: criteria provided, single submitter. Criteria: GeneDx Variant Classification Process June 2021. Collection method: clinical testing. Allele origin: germline. Affected: yes.
Comment: Has not been previously published as pathogenic or benign to our knowledge; Not observed at significant frequency in large population cohorts (gnomAD); In silico analysis indicates that this missense variant does not alter protein structure/function

Color Diagnostics, LLC DBA Color Health
Classification: Uncertain significance for Cardiomyopathy. Last evaluated: 2023-12-05. Review status: criteria provided, single submitter. Criteria: ACMG Guidelines, 2015. Collection method: clinical testing. Allele origin: germline.
Comment: This missense variant replaces alanine with threonine at codon 776 of the DSP protein. Computational prediction suggests that this variant may not impact protein structure and function (internally defined REVEL score threshold <= 0.5, PMID: 27666373). To our knowledge, functional studies have not been reported for this variant. This variant has not been reported in individuals affected with DSP-related disorders in the literature. This variant has not been identified in the general population by the Genome Aggregation Database (gnomAD). The available evidence is insufficient to determine the role of this variant in disease conclusively. Therefore, this variant is classified as a Variant of Uncertain Significance.

Ambry Genetics
Classification: Uncertain significance for Cardiovascular phenotype. Last evaluated: 2022-10-07. Review status: criteria provided, single submitter. Criteria: Ambry Variant Classification Scheme 2023. Collection method: clinical testing. Allele origin: germline.
Comment: The p.A776T variant (also known as c.2326G>A), located in coding exon 17 of the DSP gene, results from a G to A substitution at nucleotide position 2326. The alanine at codon 776 is replaced by threonine, an amino acid with similar properties. This amino acid position is conserved. In addition, this alteration is predicted to be tolerated by in silico analysis. Since supporting evidence is limited at this time, the clinical significance of this alteration remains unclear.

NM_004415.4(DSP):c.2326G>A (p.Ala776Thr)

Gene: DSP (desmoplakin; plus strand). Cytogenetic location: 6p24.3.
Variant type: single nucleotide variant.
Coding change: c.2326G>A on transcript NM_004415.4 (MANE Select); coding-DNA position 2326, G replaced by A.
Protein change: p.Ala776Thr; replaces alanine 776 with threonine.
Molecular consequence: missense variant.
Genome position (GRCh38, 1-based): chr6:7,574,685, G>A. VCF-style: chr6-7574685-G-A. GRCh37 (hg19) VCF-style: chr6-7574918-G-A.
Other names: c.2326G>A, p.Ala776Thr (NM_001008844.3, NM_001319034.2); short protein forms A776T.
Identifiers: ClinVar variation 922630 (VCV000922630.7), dbSNP rs1759178969, ClinGen allele CA362681075.